The following is an entry in ClinVar:

ClinVar aggregate classification (germline): Uncertain significance (1 of 4 stars; one submission).

Allele frequency attached by ClinVar (database versions not stated): TOPMed 0.00011; 1000 Genomes Project 30x 0.00016; gnomAD 0.00020.
gnomAD v4.1: 197 of 1,531,110 alleles (0.013%); highest among the groups gnomAD compares: East Asian, 0.025%; no homozygotes.

Submission:

GeneDx
Classification: Uncertain significance. Last evaluated: 2022-07-12. Review status: criteria provided, single submitter. Criteria: GeneDx Variant Classification Process June 2021. Collection method: clinical testing. Allele origin: germline. Affected: yes.
Comment: Has not been previously published as pathogenic or benign to our knowledge; In silico analysis supports that this missense variant has a deleterious effect on protein structure/function; However, In-silico analysis is inconclusive as to whether the variant alters gene splicing. In the absence of RNA/functional studies, the actual effect of this sequence change is unknown.; Variants in candidate genes are classified as variants of uncertain significance in accordance with ACMG guidelines (Richards et al., 2015)

NM_001367479.1(DNAH14):c.9010C>T (p.Arg3004Cys)

Gene: DNAH14 (dynein axonemal heavy chain 14; plus strand). Cytogenetic location: 1q42.12.
Variant type: single nucleotide variant.
Coding change: c.9010C>T on transcript NM_001367479.1 (MANE Select); coding-DNA position 9010, C replaced by T.
Protein change: p.Arg3004Cys; replaces arginine 3004 with cysteine.
Molecular consequence: missense variant.
Genome position (GRCh38, 1-based): chr1:225,307,465, C>T. VCF-style: chr1-225307465-C-T. GRCh37 (hg19) VCF-style: chr1-225495167-C-T.
Other names: NM_001373.1:c.8731C>T; short protein forms R3004C.
Identifiers: ClinVar variation 1878866 (VCV001878866.1), dbSNP rs770222940, ClinGen allele CA1416476.